The following is an entry in ClinVar:

NM_014989.7(RIMS1):c.497G>T (p.Arg166Leu)

Gene: RIMS1 (regulating synaptic membrane exocytosis 1; plus strand). Cytogenetic location: 6q13.
Variant type: single nucleotide variant.
Coding change: c.497G>T on transcript NM_014989.7 (MANE Select); coding-DNA position 497, G replaced by T.
Protein change: p.Arg166Leu; replaces arginine 166 with leucine.
Molecular consequence: missense variant.
Genome position (GRCh38, 1-based): chr6:72,179,600, G>T. VCF-style: chr6-72179600-G-T. GRCh37 (hg19) VCF-style: chr6-72889303-G-T.
Other names: short protein forms R166L.
Identifiers: ClinVar variation 1492884 (VCV001492884.6), dbSNP rs753531827, ClinGen allele CA364818272.

ClinVar aggregate classification (germline): Uncertain significance (1 of 4 stars; one submission).

gnomAD v4.1: 2 of 1,613,600 alleles (0.00012%); highest among the groups gnomAD compares: Non-Finnish European, 0.00017%; no homozygotes.

Submission:

Labcorp Genetics (formerly Invitae), Labcorp
Classification: Uncertain significance. Last evaluated: 2022-02-22. Review status: criteria provided, single submitter. Criteria: Invitae Variant Classification Sherloc (09022015). Collection method: clinical testing. Allele origin: germline.
Comment: In summary, the available evidence is currently insufficient to determine the role of this variant in disease. Therefore, it has been classified as a Variant of Uncertain Significance. Algorithms developed to predict the effect of missense changes on protein structure and function (SIFT, PolyPhen-2, Align-GVGD) all suggest that this variant is likely to be disruptive. This variant has not been reported in the literature in individuals affected with RIMS1-related conditions. This variant is present in population databases (no rsID available, gnomAD 0.0009%). This sequence change replaces arginine, which is basic and polar, with leucine, which is neutral and non-polar, at codon 166 of the RIMS1 protein (p.Arg166Leu).